The following is an entry in ClinVar:

NM_173354.5(SIK1):c.1115T>G (p.Leu372Trp)

Gene: SIK1 (salt inducible kinase 1; minus strand). Cytogenetic location: 21q22.3.
Variant type: single nucleotide variant.
Coding change: c.1115T>G on transcript NM_173354.5 (MANE Select); coding-DNA position 1115, T replaced by G.
Protein change: p.Leu372Trp; replaces leucine 372 with tryptophan.
Molecular consequence: missense variant.
Genome position (GRCh38, 1-based): chr21:43,419,863, A>C on the plus strand (T>G on the coding strand, the complement: SIK1 is on the minus strand). VCF-style: chr21-43419863-A-C. GRCh37 (hg19) VCF-style: chr21-44839743-A-C.
Other names: short protein forms L372W.
Identifiers: ClinVar variation 1484787 (VCV001484787.6), dbSNP rs2146471977, ClinGen allele CA410608708.

ClinVar aggregate classification (germline): Uncertain significance (1 of 4 stars; one submission).

Conditions:
Developmental and epileptic encephalopathy, 30 (DEE30). Also called: Epileptic encephalopathy, early infantile, 30. Identifiers: MedGen C4225360, MONDO:0014595, OMIM 616341.

Submission:

Labcorp Genetics (formerly Invitae), Labcorp
Classification: Uncertain significance for Developmental and epileptic encephalopathy, 30. Last evaluated: 2022-07-05. Review status: criteria provided, single submitter. Criteria: Invitae Variant Classification Sherloc (09022015). Collection method: clinical testing. Allele origin: germline.
Comment: Advanced modeling of protein sequence and biophysical properties (such as structural, functional, and spatial information, amino acid conservation, physicochemical variation, residue mobility, and thermodynamic stability) performed at Invitae indicates that this missense variant is not expected to disrupt SIK1 protein function. In summary, the available evidence is currently insufficient to determine the role of this variant in disease. Therefore, it has been classified as a Variant of Uncertain Significance. ClinVar contains an entry for this variant (Variation ID: 1484787). This variant has not been reported in the literature in individuals affected with SIK1-related conditions. This variant is not present in population databases (gnomAD no frequency). This sequence change replaces leucine, which is neutral and non-polar, with tryptophan, which is neutral and slightly polar, at codon 372 of the SIK1 protein (p.Leu372Trp).